The following is an entry in ClinVar:

NM_018896.5(CACNA1G):c.5511G>A (p.Thr1837=)

Gene: CACNA1G (calcium voltage-gated channel subunit alpha1 G; plus strand). Cytogenetic location: 17q21.33.
Variant type: single nucleotide variant.
Coding change: c.5511G>A on transcript NM_018896.5 (MANE Select); coding-DNA position 5511, G replaced by A.
Protein change: p.Thr1837=; no amino-acid change (threonine 1837 retained).
Molecular consequence: synonymous variant. On other transcripts: non-coding transcript variant (5).
Genome position (GRCh38, 1-based): chr17:50,618,738, G>A. VCF-style: chr17-50618738-G-A. GRCh37 (hg19) VCF-style: chr17-48696099-G-A.
Other names: c.5457G>A, p.Thr1819= (NM_001256324.2, NM_198386.3); c.5532G>A, p.Thr1844= (NM_001256325.2); c.5376G>A, p.Thr1792= (NM_001256326.2, NM_001256330.2); c.5490G>A, p.Thr1830= (NM_001256327.2); c.5436G>A, p.Thr1812= (NM_001256328.2); c.5409G>A, p.Thr1803= (NM_001256329.2, NM_198376.3, NM_198379.3 and 2 more transcripts); c.5355G>A, p.Thr1785= (NM_001256331.2); c.5340G>A, p.Thr1780= (NM_001256332.2); and 7 more.
Identifiers: ClinVar variation 4534374 (VCV004534374.7).
Genomic context (GRCh38, chr17:50,618,738, plus strand): 5'-GGAGTCCACCTGCTACAACACGGTCATCTCGCCTATCTACTTTGTGTCCTTCGTGCTGAC[G>A]GCCCAGTTCGTGCTAGTCAACGTGGTGATCGCCGTGCTGATGAAGCACCTGGAGGAGAGC-3'
Protein context (NP_061496.2, residues 1827-1847): SPIYFVSFVL[Thr1837=]AQFVLVNVVI

ClinVar aggregate classification (germline): Likely benign. Review status: criteria provided, multiple submitters, no conflicts (2 of 4 stars). 2 submissions from 2 submitters: Likely benign (2). Last evaluated 2025-10-01.

gnomAD v4.1: 11 of 1,613,824 alleles (0.00068%); highest among the groups gnomAD compares: Admixed American, 0.0017%; no homozygotes.

Submissions (2):

CeGaT Center for Human Genetics Tuebingen
Classification: Likely benign. Last evaluated: 2025-10-01. Review status: criteria provided, single submitter. Criteria: CeGaT Center For Human Genetics Tuebingen Variant Classification Criteria Version 2. Collection method: clinical testing. Allele origin: germline. Affected: yes. Observed: 1 variant allele.
Comment: CACNA1G: BP4, BP7

Labcorp Genetics (formerly Invitae), Labcorp
Classification: Likely benign. Last evaluated: 2025-08-17. Review status: criteria provided, single submitter. Criteria: Invitae Variant Classification Sherloc (09022015). Collection method: clinical testing. Allele origin: germline.